The following is an entry in ClinVar:

NM_001042492.3(NF1):c.3887A>G (p.Tyr1296Cys)

Gene: NF1 (neurofibromin 1; plus strand). Cytogenetic location: 17q11.2.
Variant type: single nucleotide variant.
Coding change: c.3887A>G on transcript NM_001042492.3 (MANE Select); coding-DNA position 3887, A replaced by G.
Protein change: p.Tyr1296Cys; replaces tyrosine 1296 with cysteine.
Molecular consequence: missense variant.
Genome position (GRCh38, 1-based): chr17:31,235,934, A>G. VCF-style: chr17-31235934-A-G. GRCh37 (hg19) VCF-style: chr17-29562952-A-G.
Other names: c.3887A>G, p.Tyr1296Cys (NM_000267.4); short protein forms Y1296C.
Identifiers: ClinVar variation 2847535 (VCV002847535.4), dbSNP rs2151438525, ClinGen allele CA398993035.

ClinVar aggregate classification (germline): Uncertain significance. Review status: criteria provided, multiple submitters, no conflicts (2 of 4 stars). 2 submissions from 2 submitters: Uncertain significance (2). Last evaluated 2026-09-11.

Conditions:
Hereditary cancer-predisposing syndrome. Also called: Hereditary Cancer Syndrome; Hereditary neoplastic syndrome; Neoplastic Syndromes, Hereditary; Tumor predisposition. Identifiers: Orphanet 140162, MedGen C0027672, MeSH D009386, MONDO:0015356.
Cardiovascular phenotype. Identifiers: MedGen CN230736.
Neurofibromatosis, type 1 (NF1). Also called: VON RECKLINGHAUSEN DISEASE; Peripheral type neurofibromatosis; NEUROFIBROMATOSIS, TYPE I, SOMATIC; Neurofibromatosis, type I. Identifiers: Orphanet 636, MedGen C0027831, MONDO:0018975, OMIM 162200. Disease mechanism: loss of function.

Submissions (2):

Ambry Genetics
Classification: Uncertain significance for Cardiovascular phenotype; Hereditary cancer-predisposing syndrome. Last evaluated: 2026-09-11. Review status: criteria provided, single submitter. Criteria: Ambry Variant Classification Scheme 2023. Collection method: clinical testing. Allele origin: germline.
Comment: The p.Y1296C variant (also known as c.3887A>G), located in coding exon 29 of the NF1 gene, results from an A to G substitution at nucleotide position 3887. The tyrosine at codon 1296 is replaced by cysteine, an amino acid with highly dissimilar properties. This amino acid position is conserved. In addition, this alteration is predicted to be deleterious by in silico analysis. Based on the available evidence, the clinical significance of this variant remains unclear.

Labcorp Genetics (formerly Invitae), Labcorp
Classification: Uncertain significance for Neurofibromatosis, type 1. Last evaluated: 2023-03-19. Review status: criteria provided, single submitter. Criteria: Invitae Variant Classification Sherloc (09022015). Collection method: clinical testing. Allele origin: germline.
Comment: This sequence change replaces tyrosine, which is neutral and polar, with cysteine, which is neutral and slightly polar, at codon 1296 of the NF1 protein (p.Tyr1296Cys). This variant is not present in population databases (gnomAD no frequency). This variant has not been reported in the literature in individuals affected with NF1-related conditions. Advanced modeling of protein sequence and biophysical properties (such as structural, functional, and spatial information, amino acid conservation, physicochemical variation, residue mobility, and thermodynamic stability) performed at Invitae indicates that this missense variant is expected to disrupt NF1 protein function. In summary, the available evidence is currently insufficient to determine the role of this variant in disease. Therefore, it has been classified as a Variant of Uncertain Significance.